The following is an entry in ClinVar:

ClinVar aggregate classification (germline): Uncertain significance (1 of 4 stars; one submission).

Conditions:
Inborn genetic diseases. Identifiers: MedGen C0950123, MeSH D030342.

gnomAD v4.1: 1 of 1,614,204 alleles (0.000062%); highest among the groups gnomAD compares: Non-Finnish European, 0.000085%; no homozygotes.

Submission:

Ambry Genetics
Classification: Uncertain significance for Inborn genetic diseases. Last evaluated: 2025-09-10. Review status: criteria provided, single submitter. Criteria: Ambry Variant Classification Scheme 2023. Collection method: clinical testing. Allele origin: germline.
Comment: The p.T736A variant (also known as c.2206A>G), located in coding exon 13 of the ASXL1 gene, results from an A to G substitution at nucleotide position 2206. The threonine at codon 736 is replaced by alanine, an amino acid with similar properties. This amino acid position is conserved. In addition, this alteration is predicted to be tolerated by in silico analysis. Based on the available evidence, the clinical significance of this variant remains unclear.

NM_015338.6(ASXL1):c.2206A>G (p.Thr736Ala)

Gene: ASXL1 (ASXL transcriptional regulator 1; plus strand). Cytogenetic location: 20q11.21.
Variant type: single nucleotide variant.
Coding change: c.2206A>G on transcript NM_015338.6 (MANE Select); coding-DNA position 2206, A replaced by G.
Protein change: p.Thr736Ala; replaces threonine 736 with alanine.
Molecular consequence: missense variant.
Genome position (GRCh38, 1-based): chr20:32,434,918, A>G. VCF-style: chr20-32434918-A-G. GRCh37 (hg19) VCF-style: chr20-31022721-A-G.
Other names: c.2023A>G, p.Thr675Ala (NM_001363734.1); short protein forms T675A, T736A.
Identifiers: ClinVar variation 4159563 (VCV004159563.1).